The following is an entry in ClinVar:

NM_005732.4(RAD50):c.3389+1G>C

Gene: RAD50 (RAD50 double strand break repair protein; plus strand). Cytogenetic location: 5q31.1.
Variant type: single nucleotide variant.
Coding change: c.3389+1G>C on transcript NM_005732.4 (MANE Select); the canonical splice donor site of the intron after coding-DNA position 3389, G replaced by C.
Molecular consequence: splice donor variant.
Genome position (GRCh38, 1-based): chr5:132,618,295, G>C. VCF-style: chr5-132618295-G-C. GRCh37 (hg19) VCF-style: chr5-131953987-G-C.
Identifiers: ClinVar variation 823705 (VCV000823705.5), dbSNP rs762648843, ClinGen allele CA360965088.

ClinVar aggregate classification (germline): Likely pathogenic (1 of 4 stars; one submission).

Conditions:
Hereditary cancer-predisposing syndrome. Also called: Neoplastic Syndromes, Hereditary; Tumor predisposition; Hereditary neoplastic syndrome; Hereditary Cancer Syndrome. Identifiers: Orphanet 140162, MedGen C0027672, MeSH D009386, MONDO:0015356.

Submission:

Ambry Genetics
Classification: Likely pathogenic for Hereditary cancer-predisposing syndrome. Last evaluated: 2022-11-23. Review status: criteria provided, single submitter. Criteria: Ambry Variant Classification Scheme 2023. Collection method: clinical testing. Allele origin: germline.
Comment: The c.3389+1G>C intronic variant results from a G to C substitution one nucleotide after coding exon 21 of the RAD50 gene. This nucleotide position is highly conserved in available vertebrate species. In silico splice site analysis predicts that this alteration will weaken the native splice donor site. Alterations that disrupt the canonical splice site are expected to cause aberrant splicing, resulting in an abnormal protein or a transcript that is subject to nonsense-mediated mRNA decay. As such, this alteration is classified as likely pathogenic.